The following is an entry in ClinVar:

ClinVar aggregate classification (germline): Likely benign. Review status: criteria provided, multiple submitters, no conflicts (2 of 4 stars). 5 submissions from 5 submitters: Likely benign (4). 1 of the submissions does not count toward it. Last evaluated 2026-01-12.

Conditions:
Epidermolysis bullosa simplex with nail dystrophy (EBS5D). Identifiers: MedGen C4225309, MONDO:0014661, OMIM 616487.
Autosomal recessive limb-girdle muscular dystrophy type 2Q (LGMDR17). Also called: MUSCULAR DYSTROPHY, LIMB-GIRDLE, AUTOSOMAL RECESSIVE 17. Identifiers: Orphanet 254361, MedGen C3150989, MONDO:0013390, OMIM 613723.
Epidermolysis bullosa simplex, Ogna type (EBS5A). Also called: Pidermolysis bullosa simplex 5A, Ogna type; EPIDERMOLYSIS BULLOSA SIMPLEX 5A, OGNA TYPE. Identifiers: Orphanet 79401, MedGen C0432317, MONDO:0007555, OMIM 131950.
Epidermolysis bullosa simplex 5B, with muscular dystrophy (EBS5B). Also called: Epidermolysis bullosa simplex with muscular dystrophy; EPIDERMOLYSIS BULLOSA SIMPLEX AND LIMB-GIRDLE MUSCULAR DYSTROPHY. Identifiers: Orphanet 257, MedGen C2931072, MONDO:0009181, OMIM 226670.
Epidermolysis bullosa simplex 5C, with pyloric atresia (EBS5C). Also called: PLEC-Related Epidermolysis Bullosa with Pyloric Atresia; Epidermolysis bullosa simplex with pyloric atresia; PLEC1-Related Epidermolysis Bullosa with Pyloric Atresia. Identifiers: Orphanet 158684, MedGen C2677349, MONDO:0012807, OMIM 612138.
PLEC-related disorder. Also called: PLEC-related disorders; PLEC-related condition.

Allele frequency attached by ClinVar (database versions not stated): ESP Exome Variant Server 0.00016; gnomAD 0.00031 and 0.00032; TOPMed 0.00034.
gnomAD v4.1: 406 of 1,613,336 alleles (0.025%); highest among the groups gnomAD compares: Middle Eastern, 0.083%; 1 homozygote.

Submissions (5):

Labcorp Genetics (formerly Invitae), Labcorp
Classification: Likely benign for Autosomal recessive limb-girdle muscular dystrophy type 2Q; Epidermolysis bullosa simplex, Ogna type; Epidermolysis bullosa simplex with nail dystrophy; Epidermolysis bullosa simplex 5C, with pyloric atresia; Epidermolysis bullosa simplex 5B, with muscular dystrophy. Last evaluated: 2026-01-12. Review status: criteria provided, single submitter. Criteria: Invitae Variant Classification Sherloc (09022015). Collection method: clinical testing. Allele origin: germline.

Blueprint Genetics
Classification: Likely benign. Last evaluated: 2024-03-26. Review status: criteria provided, single submitter. Criteria: ACMG Guidelines, 2015. Collection method: clinical testing. Allele origin: germline.

CeGaT Center for Human Genetics Tuebingen
Classification: Likely benign. Last evaluated: 2023-03-01. Review status: criteria provided, single submitter. Criteria: CeGaT Center For Human Genetics Tuebingen Variant Classification Criteria Version 2. Collection method: clinical testing. Allele origin: germline. Affected: yes. Observed: 1 variant allele.
Comment: PLEC: BP4, BP7

GeneDx
Classification: Likely benign. Last evaluated: 2020-08-28. Review status: criteria provided, single submitter. Criteria: GeneDx Variant Classification Process June 2021. Collection method: clinical testing. Allele origin: germline. Affected: yes.

PreventionGenetics, part of Exact Sciences
Classification: Likely benign for PLEC-related condition. Last evaluated: 2022-08-16. Review status: no assertion criteria provided. Collection method: clinical testing. Allele origin: germline. Not counted in ClinVar's aggregate classification.
Comment: This variant is classified as likely benign based on ACMG/AMP sequence variant interpretation guidelines (Richards et al. 2015 PMID: 25741868, with internal and published modifications).

NM_201384.3(PLEC):c.8439C>T (p.Gly2813=)

Gene: PLEC (plectin; minus strand). Cytogenetic location: 8q24.3.
Variant type: single nucleotide variant.
Coding change: c.8439C>T on transcript NM_201384.3 (MANE Select); coding-DNA position 8439, C replaced by T.
Protein change: p.Gly2813=; no amino-acid change (glycine 2813 retained).
Molecular consequence: synonymous variant.
Genome position (GRCh38, 1-based): chr8:143,921,382, G>A on the plus strand (C>T on the coding strand, the complement: PLEC is on the minus strand). VCF-style: chr8-143921382-G-A. GRCh37 (hg19) VCF-style: chr8-144995550-G-A.
Other names: c.8520C>T, p.Gly2840= (NM_000445.5); c.8397C>T, p.Gly2799= (NM_201378.4); c.8373C>T, p.Gly2791= (NM_201379.3); c.8850C>T, p.Gly2950= (NM_201380.4); c.8343C>T, p.Gly2781= (NM_201381.3); c.8439C>T, p.Gly2813= (NM_201382.4); c.8451C>T, p.Gly2817= (NM_201383.3).
Identifiers: ClinVar variation 387010 (VCV000387010.41), dbSNP rs201932982, ClinGen allele CA4925312.
Genomic context (GRCh38, chr8:143,921,382, plus strand): 5'-GCCGCGCCGGTAGGCCACGTCCACGGGCACGCGGTGGCTGTGCACGGGGTCGATAACGCC[G>A]CCCGTGGCGATCTGGGCCTCCAGCAGGCGGATGCCGTGCTCCCGGACGATGAGGCCCTTC-3'
Protein context (NP_958786.1, residues 2803-2823): IRLLEAQIAT[Gly2813=]GVIDPVHSHR